The following is an entry in ClinVar:

NM_014946.4(SPAST):c.572G>A (p.Arg191His)

Gene: SPAST (spastin; plus strand). Cytogenetic location: 2p22.3.
Variant type: single nucleotide variant.
Coding change: c.572G>A on transcript NM_014946.4 (MANE Select); coding-DNA position 572, G replaced by A.
Protein change: p.Arg191His; replaces arginine 191 with histidine.
Molecular consequence: missense variant.
Genome position (GRCh38, 1-based): chr2:32,089,591, G>A. VCF-style: chr2-32089591-G-A. GRCh37 (hg19) VCF-style: chr2-32314660-G-A.
Other names: c.569G>A, p.Arg190His (NM_001363823.2, NM_001363875.2); c.572G>A, p.Arg191His (NM_001377959.1, NM_199436.2); short protein forms R190H, R191H.
Identifiers: ClinVar variation 3372103 (VCV003372103.1).

ClinVar aggregate classification (germline): Uncertain significance (1 of 4 stars; one submission).

gnomAD v4.1: 3 of 1,570,496 alleles (0.00019%); highest among the groups gnomAD compares: Non-Finnish European, 0.00026%; no homozygotes.

Submission:

GeneDx
Classification: Uncertain significance. Last evaluated: 2024-04-17. Review status: criteria provided, single submitter. Criteria: GeneDx Variant Classification Process June 2021. Collection method: clinical testing. Allele origin: germline. Affected: yes.
Comment: Not observed at significant frequency in large population cohorts (gnomAD); In silico analysis supports that this missense variant has a deleterious effect on protein structure/function; Has not been previously published as pathogenic or benign to our knowledge; This variant is associated with the following publications: (PMID: 21139634, 26094131)